The following is an entry in ClinVar:

NM_182961.4(SYNE1):c.24973T>C (p.Ser8325Pro)

Gene: SYNE1 (spectrin repeat containing nuclear envelope protein 1; minus strand). Cytogenetic location: 6q25.2.
Variant type: single nucleotide variant.
Coding change: c.24973T>C on transcript NM_182961.4 (MANE Select); coding-DNA position 24973, T replaced by C.
Protein change: p.Ser8325Pro; replaces serine 8325 with proline.
Molecular consequence: missense variant.
Genome position (GRCh38, 1-based): chr6:152,148,048, A>G on the plus strand (T>C on the coding strand, the complement: SYNE1 is on the minus strand). VCF-style: chr6-152148048-A-G. GRCh37 (hg19) VCF-style: chr6-152469183-A-G.
Other names: c.1579T>C, p.Ser527Pro (NM_001347701.2); c.1438T>C, p.Ser480Pro (NM_001347702.2); c.24760T>C, p.Ser8254Pro (NM_033071.5); short protein forms S480P, S527P, S8254P, S8325P.
Identifiers: ClinVar variation 4688877 (VCV004688877.1).
Genomic context (GRCh38, chr6:152,148,048, plus strand): 5'-ATATTAATTCCCTCTGACTTTCCTTTAAGCTGGCAAACTGGAGAGGCTCTTTCCTACCTG[A>G]TAAGCCAACAGCTCCCCGGAGGTAGAAATCTTTGTCATCCTGACCTTCTTCATCCTCAGA-3'
Protein context (NP_892006.3, residues 8315-8335): DFYLRGAVGL[Ser8325Pro]GDHSALESQI

ClinVar aggregate classification (germline): Uncertain significance (1 of 4 stars; one submission).

gnomAD v4.1: 4 of 1,613,764 alleles (0.00025%); highest among the groups gnomAD compares: Non-Finnish European, 0.00034%; no homozygotes.

Submission:

Women's Health and Genetics/Laboratory Corporation of America, LabCorp
Classification: Uncertain significance. Last evaluated: 2025-12-23. Review status: criteria provided, single submitter. Criteria: LabCorp Variant Classification Summary - May 2015. Collection method: clinical testing. Allele origin: germline.
Comment: Variant summary: SYNE1 c.24760T>C (p.Ser8254Pro) results in a non-conservative amino acid change in the encoded protein sequence. Algorithms developed to predict the effect of missense changes on protein structure and function are either unavailable or do not agree on the potential impact of this missense change. The variant was absent in 248826 control chromosomes. The available data on variant occurrences in the general population are insufficient to allow any conclusion about variant significance. To our knowledge, no occurrence of c.24760T>C in individuals affected with SYNE1-related conditions and no experimental evidence demonstrating its impact on protein function have been reported. No submitters have cited clinical-significance assessments for this variant to ClinVar. Based on the evidence outlined above, the variant was classified as uncertain significance.